The following is an entry in ClinVar:

NM_000146.4(FTL):c.-184C>G

Gene: FTL (ferritin light chain; plus strand). Cytogenetic location: 19q13.33.
Variant type: single nucleotide variant.
Coding change: c.-184C>G on transcript NM_000146.4 (MANE Select); 184 bases upstream of the start codon, C replaced by G.
Molecular consequence: 5 prime UTR variant.
Genome position (GRCh38, 1-based): chr19:48,965,324, C>G. VCF-style: chr19-48965324-C-G. GRCh37 (hg19) VCF-style: chr19-49468581-C-G.
Identifiers: ClinVar variation 1406481 (VCV001406481.7), dbSNP rs955876864, ClinGen allele CA309374902.

ClinVar aggregate classification (germline): Uncertain significance (1 of 4 stars; one submission).

Conditions:
Hereditary hyperferritinemia with congenital cataracts. Also called: HYPERFERRITINEMIA WITH OR WITHOUT CATARACT; Hereditary hyperferritinemia cataract syndrome; Bonneau-Beaumont syndrome. Identifiers: Orphanet 163, MedGen C1833213, MONDO:0010952, OMIM 600886.
Neuroferritinopathy (NBIA3). Also called: NEURODEGENERATION WITH BRAIN IRON ACCUMULATION 3; BASAL GANGLIA DISEASE, ADULT-ONSET. Identifiers: Orphanet 157846, MedGen C1853578, MONDO:0011638, OMIM 606159.

gnomAD v4.1: 4 of 632,264 alleles (0.00063%); highest among the groups gnomAD compares: South Asian, 0.0049%; 1 homozygote.

Submission:

Labcorp Genetics (formerly Invitae), Labcorp
Classification: Uncertain significance for Neuroferritinopathy; Hereditary hyperferritinemia with congenital cataracts. Last evaluated: 2022-11-03. Review status: criteria provided, single submitter. Criteria: Invitae Variant Classification Sherloc (09022015). Collection method: clinical testing. Allele origin: germline.
Comment: This variant is not present in population databases (gnomAD no frequency). This variant occurs in a non-coding region of the FTL gene. It does not change the encoded amino acid sequence of the FTL protein. This variant has not been reported in the literature in individuals affected with FTL-related conditions. ClinVar contains an entry for this variant (Variation ID: 1406481). Experimental studies and prediction algorithms are not available or were not evaluated, and the functional significance of this variant is currently unknown. In summary, the available evidence is currently insufficient to determine the role of this variant in disease. Therefore, it has been classified as a Variant of Uncertain Significance.